The following is an entry in ClinVar:

ClinVar aggregate classification (germline): Likely pathogenic (1 of 4 stars; one submission).

Conditions:
Mucopolysaccharidosis, MPS-II (MPS2). Also called: Hunter Syndrome; IDURONATE 2-SULFATASE DEFICIENCY; Mucopolysaccharidosis Type II; Mucopolysaccharidosis type 2; Attenuated MPS (subtype; formerly known as mild MPS II); Severe MPS II. Identifiers: Orphanet 580, Orphanet 79388, MedGen C0026705, MONDO:0010674, OMIM 309900.

Submission:

Laboratory of Diagnosis and Therapy of Lysosomal Disorders, University of Padova
Classification: Likely pathogenic for Mucopolysaccharidosis, MPS-II. Last evaluated: 2024-06-07. Review status: criteria provided, single submitter. Criteria: ACMG Guidelines, 2015. Collection method: literature only. Allele origin: germline. Affected: yes. Observed: 1 variant allele.
Comment: Absent from controls (or at low frequency) in gnomAD database (PM2_Moderate), Missense variant in a gene with a low rate of benign missense variation (PP2_Supporting), Multiple lines of computational evidence support a deleterious effect (PP3_Supporting), Patient’s phenotype or family history highly specific for the disease (PP4_Strong)

Classification method: ACMG Guidelines [PMID:25741868] with modifications

Literature cited by the submitters: PubMed 11683780.

NM_000202.8(IDS):c.542A>T (p.Asn181Ile)

Genes: IDS (iduronate 2-sulfatase; minus strand), LOC106050102 (IDS recombination region; plus strand). Cytogenetic location: Xq28.
Variant type: single nucleotide variant.
Coding change: c.542A>T on transcript NM_000202.8 (MANE Select); coding-DNA position 542, A replaced by T.
Protein change: p.Asn181Ile; replaces asparagine 181 with isoleucine.
Molecular consequence: missense variant. On other transcripts: non-coding transcript variant (1).
Genome position (GRCh38, 1-based): chrX:149,498,273, T>A on the plus strand (A>T on the coding strand, the complement: IDS is on the minus strand). VCF-style: chrX-149498273-T-A. GRCh37 (hg19) VCF-style: chrX-148579804-T-A.
Other names: c.272A>T, p.Asn91Ile (NM_001166550.4); c.542A>T, p.Asn181Ile (NM_006123.5); short protein forms N181I, N91I.
Identifiers: ClinVar variation 3255762 (VCV003255762.2).
Genomic context (GRCh38, chrX:149,498,273, plus strand): 5'-CTCTGTTTGTCAGGCAAGGTGCCCTCGGGAACATCCAGCACATCCACAGGGCAAAGCAGG[T>A]TGGCATGGAGTTCTCCATCTGGCCCTCGACATGTCTTTCAAAACAAAATAATATAACATC-3'
Protein context (NP_000193.1, residues 171-191): CRGPDGELHA[Asn181Ile]LLCPVDVLDV